The following is an entry in ClinVar:

ClinVar aggregate classification (germline): Uncertain significance (1 of 4 stars; one submission).

gnomAD v4.1: 7 of 1,614,146 alleles (0.00043%); highest among the groups gnomAD compares: African/African-American, 0.0027%; no homozygotes.

Submission:

Labcorp Genetics (formerly Invitae), Labcorp
Classification: Uncertain significance. Last evaluated: 2024-02-02. Review status: criteria provided, single submitter. Criteria: Invitae Variant Classification Sherloc (09022015). Collection method: clinical testing. Allele origin: germline.
Comment: This sequence change replaces proline, which is neutral and non-polar, with leucine, which is neutral and non-polar, at codon 87 of the COL2A1 protein (p.Pro87Leu). This variant is not present in population databases (gnomAD no frequency). This variant has not been reported in the literature in individuals affected with COL2A1-related conditions. Advanced modeling of protein sequence and biophysical properties (such as structural, functional, and spatial information, amino acid conservation, physicochemical variation, residue mobility, and thermodynamic stability) has been performed at Invitae for this missense variant, however the output from this modeling did not meet the statistical confidence thresholds required to predict the impact of this variant on COL2A1 protein function. In summary, the available evidence is currently insufficient to determine the role of this variant in disease. Therefore, it has been classified as a Variant of Uncertain Significance.

NM_001844.5(COL2A1):c.260C>T (p.Pro87Leu)

Gene: COL2A1 (collagen type II alpha 1 chain; minus strand). Cytogenetic location: 12q13.11.
Variant type: single nucleotide variant.
Coding change: c.260C>T on transcript NM_001844.5 (MANE Select); coding-DNA position 260, C replaced by T.
Protein change: p.Pro87Leu; replaces proline 87 with leucine.
Molecular consequence: missense variant. On other transcripts: intron variant (1).
Genome position (GRCh38, 1-based): chr12:47,999,951, G>A on the plus strand (C>T on the coding strand, the complement: COL2A1 is on the minus strand). VCF-style: chr12-47999951-G-A. GRCh37 (hg19) VCF-style: chr12-48393734-G-A.
Other names: c.86-1520C>T (NM_033150.3); short protein forms P87L.
Identifiers: ClinVar variation 3606370 (VCV003606370.2).